The following is an entry in ClinVar:

NM_006019.4(TCIRG1):c.1885C>T (p.Gln629Ter)

Gene: TCIRG1 (T cell immune regulator 1, ATPase H+ transporting V0 subunit a3; plus strand). Cytogenetic location: 11q13.2.
Variant type: single nucleotide variant.
Coding change: c.1885C>T on transcript NM_006019.4 (MANE Select); coding-DNA position 1885, C replaced by T.
Protein change: p.Gln629Ter; replaces glutamine 629 with a stop codon.
Molecular consequence: nonsense.
Genome position (GRCh38, 1-based): chr11:68,049,292, C>T. VCF-style: chr11-68049292-C-T. GRCh37 (hg19) VCF-style: chr11-67816759-C-T.
Other names: c.991C>T, p.Gln331Ter (NM_001351059.2); c.1237C>T, p.Gln413Ter (NM_006053.4); short protein forms Q331*, Q413*, Q629*.
Identifiers: ClinVar variation 1684680 (VCV001684680.4), dbSNP rs895239701, ClinGen allele CA381587555.
Genomic context (GRCh38, chr11:68,049,292, plus strand): 5'-CACTTCATCAACATGTTCCTCTTCTCCCACAGCCCCAGCAACAGGCTGCTCTACCCCCGG[C>T]AGGTGGGCTGCGGCTGGTGGGGGCCGGGCTCACACGGCCTCATGGGGACCCCGCGGTCAC-3'

ClinVar aggregate classification (germline): Pathogenic. Review status: criteria provided, multiple submitters, no conflicts (2 of 4 stars). 2 submissions from 2 submitters: Pathogenic (2). Last evaluated 2024-02-13.

Conditions:
Autosomal recessive osteopetrosis 1. Also called: ALBERS-SCHONBERG DISEASE, AUTOSOMAL RECESSIVE; TCIRG1-Related Osteopetrosis; TCIRG1-Related Autosomal Recessive Osteopetrosis. Identifiers: Orphanet 667, MedGen C1850127, MONDO:0009815, OMIM 259700.

Submissions (2):

Labcorp Genetics (formerly Invitae), Labcorp
Classification: Pathogenic. Last evaluated: 2024-02-13. Review status: criteria provided, single submitter. Criteria: Invitae Variant Classification Sherloc (09022015). Collection method: clinical testing. Allele origin: germline.
Comment: This sequence change creates a premature translational stop signal (p.Gln629*) in the TCIRG1 gene. It is expected to result in an absent or disrupted protein product. Loss-of-function variants in TCIRG1 are known to be pathogenic (PMID: 10888887, 10942435, 11532986, 19448635). This variant is not present in population databases (gnomAD no frequency). This variant has not been reported in the literature in individuals affected with TCIRG1-related conditions. ClinVar contains an entry for this variant (Variation ID: 1684680). Algorithms developed to predict the effect of sequence changes on RNA splicing suggest that this variant may disrupt the consensus splice site. For these reasons, this variant has been classified as Pathogenic.

Molecular Lab, Department of Haematology, Christian Medical College
Classification: Pathogenic for Autosomal recessive osteopetrosis 1. Last evaluated: 2022-05-20. Review status: criteria provided, single submitter. Criteria: ACMG Guidelines, 2015. Collection method: clinical testing. Allele origin: germline. Affected: yes. Observed: 1 variant allele.

Literature cited by the submitters: PubMed 10888887 (cited by Labcorp Genetics (formerly Invitae), Labcorp); PubMed 10942435 (cited by Labcorp Genetics (formerly Invitae), Labcorp); PubMed 11532986 (cited by Labcorp Genetics (formerly Invitae), Labcorp); PubMed 19448635 (cited by Labcorp Genetics (formerly Invitae), Labcorp).